The following is an entry in ClinVar:

NM_014991.6(WDFY3):c.4572T>G (p.Ile1524Met)

Gene: WDFY3 (WD repeat and FYVE domain containing 3; minus strand). Cytogenetic location: 4q21.23.
Variant type: single nucleotide variant.
Coding change: c.4572T>G on transcript NM_014991.6 (MANE Select); coding-DNA position 4572, T replaced by G.
Protein change: p.Ile1524Met; replaces isoleucine 1524 with methionine.
Molecular consequence: missense variant.
Genome position (GRCh38, 1-based): chr4:84,775,085, A>C on the plus strand (T>G on the coding strand, the complement: WDFY3 is on the minus strand). VCF-style: chr4-84775085-A-C. GRCh37 (hg19) VCF-style: chr4-85696238-A-C.
Other names: short protein forms I1524M.
Identifiers: ClinVar variation 1699688 (VCV001699688.3), dbSNP rs2149447153, ClinGen allele CA357548034.

ClinVar aggregate classification (germline): Uncertain significance (1 of 4 stars; one submission).

Submission:

GeneDx
Classification: Uncertain significance. Last evaluated: 2025-02-18. Review status: criteria provided, single submitter. Criteria: GeneDx Variant Classification Process June 2021. Collection method: clinical testing. Allele origin: germline.
Comment: Not observed at significant frequency in large population cohorts (gnomAD); In silico analysis indicates that this missense variant does not alter protein structure/function; Has not been previously published as pathogenic or benign to our knowledge